The following is an entry in ClinVar:

ClinVar aggregate classification (germline): Benign. Review status: criteria provided, multiple submitters, no conflicts (2 of 4 stars). 2 submissions from 2 submitters: Benign (2). Last evaluated 2018-06-19.

Allele frequency attached by ClinVar (database versions not stated): gnomAD 0.42187 and 0.43087; TOPMed 0.42661; gnomAD exomes 0.46556 and 0.47693; 1000 Genomes Project 30x 0.49453; 1000 Genomes Project 0.49900; ExAC 0.52937.
gnomAD v4.1: 403,204 of 875,658 alleles (46%); highest among the groups gnomAD compares: East Asian, 69%; 95,911 homozygotes.

Submissions (2):

GeneDx
Classification: Benign. Last evaluated: 2018-06-19. Review status: criteria provided, single submitter. Criteria: GeneDx Variant Classification (06012015). Collection method: clinical testing. Allele origin: germline. Affected: yes.
Comment: This variant is considered likely benign or benign based on one or more of the following criteria: it is a conservative change, it occurs at a poorly conserved position in the protein, it is predicted to be benign by multiple in silico algorithms, and/or has population frequency not consistent with disease.

Breakthrough Genomics
Classification: Benign. Review status: criteria provided, single submitter. Criteria: ACMG Guidelines, 2015. Collection method: not provided. Allele origin: germline. Inheritance: Autosomal recessive inheritance. Affected: yes.

NM_003119.4(SPG7):c.377-171G>A

Gene: SPG7 (SPG7 matrix AAA peptidase subunit, paraplegin; plus strand). Cytogenetic location: 16q24.3.
Variant type: single nucleotide variant.
Coding change: c.377-171G>A on transcript NM_003119.4 (MANE Select); 171 bases into the intron before coding-DNA position 377, G replaced by A.
Molecular consequence: intron variant.
Genome position (GRCh38, 1-based): chr16:89,523,835, G>A. VCF-style: chr16-89523835-G-A. GRCh37 (hg19) VCF-style: chr16-89590243-G-A.
Other names: c.377-171G>A (NM_001363850.1, NM_199367.3).
Identifiers: ClinVar variation 670124 (VCV000670124.2), dbSNP rs3803680, ClinGen allele CA8243585.